The following is an entry in ClinVar:

NM_001374736.1(DST):c.11589A>G (p.Ile3863Met)

Gene: DST (dystonin; minus strand). Cytogenetic location: 6p12.1.
Variant type: single nucleotide variant.
Coding change: c.11589A>G on transcript NM_001374736.1 (MANE Select); coding-DNA position 11589, A replaced by G.
Protein change: p.Ile3863Met; replaces isoleucine 3863 with methionine.
Molecular consequence: missense variant.
Genome position (GRCh38, 1-based): chr6:56,600,174, T>C on the plus strand (A>G on the coding strand, the complement: DST is on the minus strand). VCF-style: chr6-56600174-T-C. GRCh37 (hg19) VCF-style: chr6-56464972-T-C.
Other names: c.5232A>G, p.Ile1744Met (NM_001144769.5); c.4818A>G, p.Ile1606Met (NM_001144770.2); c.11589A>G, p.Ile3863Met (NM_001374722.1); c.10956A>G, p.Ile3652Met (NM_001374729.1); c.4698A>G, p.Ile1566Met (NM_001374730.1, NM_001386100.1, NM_183380.4); c.11616A>G, p.Ile3872Met (NM_001374734.1); c.3720A>G, p.Ile1240Met (NM_015548.5); short protein forms I1240M, I1566M, I1744M, I3872M, I3863M, I1606M, I3652M.
Identifiers: ClinVar variation 1937540 (VCV001937540.2), dbSNP rs774704605, ClinGen allele CA3868626.

ClinVar aggregate classification (germline): Uncertain significance (1 of 4 stars; one submission).

Conditions:
Hereditary sensory and autonomic neuropathy type 6. Also called: HSAN VI; Neuropathy, hereditary sensory and autonomic, type VI. Identifiers: Orphanet 314381, MedGen C3539003, MONDO:0013839, OMIM 614653.
Epidermolysis bullosa simplex 3, localized or generalized intermediate, with BP230 deficiency (EBS3). Also called: Epidermolysis bullosa simplex, autosomal recessive 2; Epidermolysis bullosa simplex due to BP230 deficiency. Identifiers: Orphanet 412181, MedGen C3809470, MONDO:0014180, OMIM 615425.

Allele frequency attached by ClinVar (database versions not stated): gnomAD exomes below 0.00001; gnomAD 0.00001; ExAC 0.00002; TOPMed 0.00002.
gnomAD v4.1: 2 of 1,612,900 alleles (0.00012%); highest among the groups gnomAD compares: African/African-American, 0.0027%; no homozygotes.

Submission:

Labcorp Genetics (formerly Invitae), Labcorp
Classification: Uncertain significance for Epidermolysis bullosa simplex 3, localized or generalized intermediate, with BP230 deficiency; Hereditary sensory and autonomic neuropathy type 6. Last evaluated: 2022-07-20. Review status: criteria provided, single submitter. Criteria: Invitae Variant Classification Sherloc (09022015). Collection method: clinical testing. Allele origin: germline.
Comment: The DST gene has multiple clinically relevant transcripts. This variant occurs in alternate transcript NM_015548.4, and corresponds to NM_001723.5:c.*15343A>G in the primary transcript. This sequence change replaces isoleucine, which is neutral and non-polar, with methionine, which is neutral and non-polar, at codon 1240 of the DST protein (p.Ile1240Met). This variant is present in population databases (rs774704605, gnomAD 0.01%). This variant has not been reported in the literature in individuals affected with DST-related conditions. Experimental studies and prediction algorithms are not available or were not evaluated, and the functional significance of this variant is currently unknown. In summary, the available evidence is currently insufficient to determine the role of this variant in disease. Therefore, it has been classified as a Variant of Uncertain Significance.